The following is an entry in ClinVar:

ClinVar aggregate classification (germline): Uncertain significance (1 of 4 stars; one submission).

Conditions:
Hereditary cancer-predisposing syndrome. Also called: Hereditary Cancer Syndrome; Hereditary neoplastic syndrome; Neoplastic Syndromes, Hereditary; Tumor predisposition. Identifiers: Orphanet 140162, MedGen C0027672, MeSH D009386, MONDO:0015356.

Submission:

Labcorp Genetics (formerly Invitae), Labcorp
Classification: Uncertain significance for Hereditary cancer-predisposing syndrome. Last evaluated: 2020-11-22. Review status: criteria provided, single submitter. Criteria: Invitae Variant Classification Sherloc (09022015). Collection method: clinical testing. Allele origin: germline.
Comment: Algorithms developed to predict the effect of missense changes on protein structure and function (SIFT, PolyPhen-2, Align-GVGD) all suggest that this variant is likely to be tolerated, but these predictions have not been confirmed by published functional studies. In summary, this variant is a novel missense change that is not predicted to affect protein function. There is no indication that it causes disease, but the available evidence is currently insufficient to prove that conclusively. Therefore, it has been classified as a Variant of Uncertain Significance. This variant is not present in population databases (ExAC no frequency) and has not been reported in the literature in individuals with a RAD50-related disease. This sequence change replaces serine with glycine at codon 389 of the RAD50 protein (p.Ser389Gly). The serine residue is moderately conserved and there is a small physicochemical difference between serine and glycine.

NM_005732.4(RAD50):c.1165A>G (p.Ser389Gly)

Gene: RAD50 (RAD50 double strand break repair protein; plus strand). Cytogenetic location: 5q31.1.
Variant type: single nucleotide variant.
Coding change: c.1165A>G on transcript NM_005732.4 (MANE Select); coding-DNA position 1165, A replaced by G.
Protein change: p.Ser389Gly; replaces serine 389 with glycine.
Molecular consequence: missense variant.
Genome position (GRCh38, 1-based): chr5:132,588,800, A>G. VCF-style: chr5-132588800-A-G. GRCh37 (hg19) VCF-style: chr5-131924492-A-G.
Other names: short protein forms S389G.
Identifiers: ClinVar variation 408345 (VCV000408345.9), dbSNP rs1060501935, ClinGen allele CA16611951.